The following is an entry in ClinVar:

ClinVar aggregate classification (germline): Likely benign. Review status: criteria provided, multiple submitters, no conflicts (2 of 4 stars). 2 submissions from 2 submitters: Likely benign (2). Last evaluated 2025-12-11.

Conditions:
Malignant hyperthermia, susceptibility to, 1 (MHS1). Also called: Malignant hyperthermia suceptibility 1; RYR1-Related Malignant Hyperthermia Susceptibility; Anesthesia related hyperthermia; Malignant hyperpyrexia; Fulminating hyperpyrexia; Pharmacogenic myopathy. Identifiers: Orphanet 423, MedGen C2930980, MONDO:0007783, OMIM 145600.
RYR1-related disorder. Also called: RYR1-related condition; RYR1-related disorders. Identifiers: MedGen CN239331.

Allele frequency attached by ClinVar (database versions not stated): gnomAD exomes 0.00001 and 0.00004; ExAC 0.00005.
gnomAD v4.1: 16 of 1,613,842 alleles (0.00099%); highest among the groups gnomAD compares: Admixed American, 0.018%; no homozygotes.

Submissions (2):

Labcorp Genetics (formerly Invitae), Labcorp
Classification: Likely benign for RYR1-related disorder. Last evaluated: 2025-12-11. Review status: criteria provided, single submitter. Criteria: Invitae Variant Classification Sherloc (09022015). Collection method: clinical testing. Allele origin: germline.

All of Us Research Program, National Institutes of Health
Classification: Likely benign for Malignant hyperthermia, susceptibility to, 1. Last evaluated: 2024-07-29. Review status: criteria provided, single submitter. Criteria: ACMG Guidelines, 2015. Collection method: clinical testing. Allele origin: germline. Inheritance: Autosomal dominant inheritance. Observed: 4 variant alleles, 4 heterozygotes.
Comment: This study involves interpretation of variants in research participants for the purpose of population health screening. Participant phenotype was not available at the time of variant classification. Additional details can be found in publication PMID: 35346344, PMCID: PMC8962531

NM_000540.3(RYR1):c.5781C>T (p.Leu1927=)

Gene: RYR1 (ryanodine receptor 1; plus strand). Cytogenetic location: 19q13.2.
Variant type: single nucleotide variant.
Coding change: c.5781C>T on transcript NM_000540.3 (MANE Select); coding-DNA position 5781, C replaced by T.
Protein change: p.Leu1927=; no amino-acid change (leucine 1927 retained).
Molecular consequence: synonymous variant.
Genome position (GRCh38, 1-based): chr19:38,489,410, C>T. VCF-style: chr19-38489410-C-T. GRCh37 (hg19) VCF-style: chr19-38980050-C-T.
Other names: c.5781C>T, p.Leu1927= (NM_001042723.2).
Identifiers: ClinVar variation 1632372 (VCV001632372.10), dbSNP rs773796528, ClinGen allele CA067447.